The following is an entry in ClinVar:

NM_000163.5(GHR):c.989A>T (p.Asp330Val)

Gene: GHR (growth hormone receptor; plus strand). Cytogenetic location: 5p12.
Variant type: single nucleotide variant.
Coding change: c.989A>T on transcript NM_000163.5 (MANE Select); coding-DNA position 989, A replaced by T.
Protein change: p.Asp330Val; replaces aspartic acid 330 with valine.
Molecular consequence: missense variant. On other transcripts: 3 prime UTR variant (1).
Genome position (GRCh38, 1-based): chr5:42,718,496, A>T. VCF-style: chr5-42718496-A-T. GRCh37 (hg19) VCF-style: chr5-42718598-A-T.
Other names: c.1010A>T, p.Asp337Val (NM_001242399.2); c.989A>T, p.Asp330Val (NM_001242400.2, NM_001242401.4, NM_001242402.2 and 4 more transcripts); c.923A>T, p.Asp308Val (NM_001242460.2); c.*31A>T (NM_001242462.1); short protein forms D308V, D337V, D330V.
Identifiers: ClinVar variation 2077585 (VCV002077585.3), dbSNP rs775801689, ClinGen allele CA3254576.

ClinVar aggregate classification (germline): Uncertain significance (1 of 4 stars; one submission).

Allele frequency attached by ClinVar (database versions not stated): gnomAD 0.00001; TOPMed 0.00002; ExAC 0.00002.
gnomAD v4.1: 186 of 1,612,222 alleles (0.012%); highest among the groups gnomAD compares: Non-Finnish European, 0.015%; no homozygotes.

Submission:

Labcorp Genetics (formerly Invitae), Labcorp
Classification: Uncertain significance. Last evaluated: 2024-11-18. Review status: criteria provided, single submitter. Criteria: Invitae Variant Classification Sherloc (09022015). Collection method: clinical testing. Allele origin: germline.
Comment: This sequence change replaces aspartic acid, which is acidic and polar, with valine, which is neutral and non-polar, at codon 330 of the GHR protein (p.Asp330Val). This variant is present in population databases (rs775801689, gnomAD 0.008%). This variant has not been reported in the literature in individuals affected with GHR-related conditions. ClinVar contains an entry for this variant (Variation ID: 2077585). Invitae Evidence Modeling of protein sequence and biophysical properties (such as structural, functional, and spatial information, amino acid conservation, physicochemical variation, residue mobility, and thermodynamic stability) indicates that this missense variant is not expected to disrupt GHR protein function with a negative predictive value of 80%. In summary, the available evidence is currently insufficient to determine the role of this variant in disease. Therefore, it has been classified as a Variant of Uncertain Significance.